The following is an entry in ClinVar:

ClinVar aggregate classification (germline): Uncertain significance. Review status: criteria provided, multiple submitters, no conflicts (2 of 4 stars). 2 submissions from 2 submitters: Uncertain significance (2). Last evaluated 2025-11-26.

Conditions:
Inborn genetic diseases. Identifiers: MedGen C0950123, MeSH D030342.

gnomAD v4.1: 9 of 1,614,002 alleles (0.00056%); highest among the groups gnomAD compares: African/African-American, 0.0093%; no homozygotes.

Submissions (2):

Ambry Genetics
Classification: Uncertain significance for Inborn genetic diseases. Last evaluated: 2025-11-26. Review status: criteria provided, single submitter. Criteria: Ambry Variant Classification Scheme 2023. Collection method: clinical testing. Allele origin: germline.

Labcorp Genetics (formerly Invitae), Labcorp
Classification: Uncertain significance. Last evaluated: 2025-09-24. Review status: criteria provided, single submitter. Criteria: Invitae Variant Classification Sherloc (09022015). Collection method: clinical testing. Allele origin: germline.
Comment: This sequence change replaces serine, which is neutral and polar, with alanine, which is neutral and non-polar, at codon 625 of the ANKRD26 protein (p.Ser625Ala). This variant is present in population databases (rs750897838, gnomAD 0.008%). This variant has not been reported in the literature in individuals affected with ANKRD26-related conditions. ClinVar contains an entry for this variant (Variation ID: 3709702). An algorithm developed to predict the effect of missense changes on protein structure and function (PolyPhen-2) suggests that this variant is likely to be tolerated. In summary, the available evidence is currently insufficient to determine the role of this variant in disease. Therefore, it has been classified as a Variant of Uncertain Significance.

NM_014915.3(ANKRD26):c.1873T>G (p.Ser625Ala)

Gene: ANKRD26 (ankyrin repeat domain 26; minus strand). Cytogenetic location: 10p12.1.
Variant type: single nucleotide variant.
Coding change: c.1873T>G on transcript NM_014915.3 (MANE Select); coding-DNA position 1873, T replaced by G.
Protein change: p.Ser625Ala; replaces serine 625 with alanine.
Molecular consequence: missense variant.
Genome position (GRCh38, 1-based): chr10:27,046,465, A>C on the plus strand (T>G on the coding strand, the complement: ANKRD26 is on the minus strand). VCF-style: chr10-27046465-A-C. GRCh37 (hg19) VCF-style: chr10-27335394-A-C.
Other names: c.1870T>G, p.Ser624Ala (NM_001256053.2); short protein forms S624A, S625A.
Identifiers: ClinVar variation 3709702 (VCV003709702.3).